The following is an entry in ClinVar:

NM_000179.3(MSH6):c.345del (p.Phe115fs)

Gene: MSH6 (mutS homolog 6; plus strand). Cytogenetic location: 2p16.3.
Variant type: Deletion.
Coding change: c.345del on transcript NM_000179.3 (MANE Select); coding-DNA position 345, one base deleted (T; older notation c.345delT).
Protein change: p.Phe115fs; shifts the reading frame from phenylalanine 115.
Molecular consequence: frameshift variant. On other transcripts: 5 prime UTR variant (2), intron variant (1).
Genome position (GRCh38, 1-based): chr2:47,791,011, T deleted; the last of 3 consecutive T bases (chr2:47,791,009-47,791,011); deleting any one gives the same sequence. VCF-style (leftmost placement, unchanged base first): chr2-47791008-CT-C. GRCh37 (hg19) VCF-style: chr2-48018147-CT-C.
Other names: c.-392del (NM_001281493.2); c.-558del (NM_001281494.2); c.441delT, p.Phe147Leufs (NM_001406795.1, NM_001406802.1); c.345delT, p.Phe115Leufs (NM_001406796.1, NM_001406798.1, NM_001406800.1 and 6 more transcripts); c.48delT, p.Phe16Leufs (NM_001406797.1, NM_001406801.1, NM_001406805.1 and 10 more transcripts); c.267delT, p.Phe89Leufs (NM_001406804.1); c.-584delT (NM_001406807.1); c.-392delT (NM_001406811.1, NM_001406823.1, NM_001406829.1); and 3 more; short protein forms F115fs.
Identifiers: ClinVar variation 2020065 (VCV002020065.5), dbSNP rs2530435054, ClinGen allele CA2580066846.

ClinVar aggregate classification (germline): Pathogenic. Review status: criteria provided, multiple submitters, no conflicts (2 of 4 stars). 2 submissions from 2 submitters: Pathogenic (2). Last evaluated 2025-03-11.

Conditions:
Hereditary nonpolyposis colorectal neoplasms. Identifiers: MedGen C0009405, MeSH D003123.
Lynch syndrome 5 (LYNCH5). Also called: Colorectal cancer, hereditary nonpolyposis, type 5; Hereditary non-polyposis colorectal cancer, type 5. Identifiers: Orphanet 144, MedGen C1833477, MONDO:0013710, OMIM 614350. Disease mechanism: loss of function.

Submissions (2):

Labcorp Genetics (formerly Invitae), Labcorp
Classification: Pathogenic for Hereditary nonpolyposis colorectal neoplasms. Last evaluated: 2025-03-11. Review status: criteria provided, single submitter. Criteria: Invitae Variant Classification Sherloc (09022015). Collection method: clinical testing. Allele origin: germline.
Comment: This sequence change creates a premature translational stop signal (p.Phe115Leufs*34) in the MSH6 gene. It is expected to result in an absent or disrupted protein product. Loss-of-function variants in MSH6 are known to be pathogenic (PMID: 18269114, 24362816). This variant is not present in population databases (gnomAD no frequency). This variant has not been reported in the literature in individuals affected with MSH6-related conditions. ClinVar contains an entry for this variant (Variation ID: 2020065). For these reasons, this variant has been classified as Pathogenic.

Myriad Genetics, Inc.
Classification: Pathogenic for Lynch syndrome 5. Last evaluated: 2023-03-21. Review status: criteria provided, single submitter. Criteria: Myriad Autosomal Dominant, Autosomal Recessive and X-Linked Classification Criteria (2023). Collection method: clinical testing. Allele origin: unknown.
Comment: This variant is considered pathogenic. This variant creates a frameshift predicted to result in premature protein truncation.

Literature cited by the submitters: PubMed 18269114 (cited by Labcorp Genetics (formerly Invitae), Labcorp); PubMed 24362816 (cited by Labcorp Genetics (formerly Invitae), Labcorp).